The following is an entry in ClinVar:

ClinVar aggregate classification (germline): Uncertain significance (1 of 4 stars; one submission).

Submission:

Labcorp Genetics (formerly Invitae), Labcorp
Classification: Uncertain significance. Last evaluated: 2022-09-01. Review status: criteria provided, single submitter. Criteria: Invitae Variant Classification Sherloc (09022015). Collection method: clinical testing. Allele origin: germline.
Comment: This sequence change replaces isoleucine, which is neutral and non-polar, with threonine, which is neutral and polar, at codon 275 of the WARS2 protein (p.Ile275Thr). In summary, the available evidence is currently insufficient to determine the role of this variant in disease. Therefore, it has been classified as a Variant of Uncertain Significance. Algorithms developed to predict the effect of missense changes on protein structure and function are either unavailable or do not agree on the potential impact of this missense change (SIFT: "Deleterious"; PolyPhen-2: "Benign"; Align-GVGD: "Class C45"). ClinVar contains an entry for this variant (Variation ID: 1398732). This variant has not been reported in the literature in individuals affected with WARS2-related conditions. This variant is not present in population databases (gnomAD no frequency).

NM_015836.4(WARS2):c.824T>C (p.Ile275Thr)

Gene: WARS2 (tryptophanyl tRNA synthetase 2, mitochondrial; minus strand). Cytogenetic location: 1p12.
Variant type: single nucleotide variant.
Coding change: c.824T>C on transcript NM_015836.4 (MANE Select); coding-DNA position 824, T replaced by C.
Protein change: p.Ile275Thr; replaces isoleucine 275 with threonine.
Molecular consequence: missense variant. On other transcripts: 3 prime UTR variant (2).
Genome position (GRCh38, 1-based): chr1:119,033,170, A>G on the plus strand (T>C on the coding strand, the complement: WARS2 is on the minus strand). VCF-style: chr1-119033170-A-G. GRCh37 (hg19) VCF-style: chr1-119575793-A-G.
Other names: c.755T>C, p.Ile252Thr (NM_001378226.1, NM_001378227.1); c.653T>C, p.Ile218Thr (NM_001378228.1); c.566T>C, p.Ile189Thr (NM_001378229.1); c.542T>C, p.Ile181Thr (NM_001378230.1); c.*159T>C (NM_001378231.1); c.*190T>C (NM_201263.2); short protein forms I181T, I218T, I252T, I189T, I275T.
Identifiers: ClinVar variation 1398732 (VCV001398732.8), dbSNP rs2101094457, ClinGen allele CA341436548.